The following is an entry in ClinVar:

NM_004333.6(BRAF):c.1992+16G>A

Gene: BRAF (B-Raf proto-oncogene, serine/threonine kinase; minus strand). Cytogenetic location: 7q34.
Variant type: single nucleotide variant.
Coding change: c.1992+16G>A on transcript NM_004333.6 (MANE Select); 16 bases into the intron after coding-DNA position 1992, G replaced by A.
Molecular consequence: intron variant.
Genome position (GRCh38, 1-based): chr7:140,749,271, C>T on the plus strand (G>A on the coding strand, the complement: BRAF is on the minus strand). VCF-style: chr7-140749271-C-T. GRCh37 (hg19) VCF-style: chr7-140449071-C-T.
Other names: c.1992+16G>A (NM_001378474.1, NM_001378468.1, NM_001354609.2); c.1890+16G>A (NM_001378470.1); c.1728+16G>A (NM_001378475.1); c.1881+16G>A (NM_001378471.1); c.2112+16G>A (NM_001374258.1, NM_001374244.1); c.2001+16G>A (NM_001378467.1); c.1836+16G>A (NM_001378472.1, NM_001378473.1); c.1926+16G>A (NM_001378469.1).
Identifiers: ClinVar variation 40394 (VCV000040394.11), dbSNP rs3789806, ClinGen allele CA289730.
Genomic context (GRCh38, chr7:140,749,271, plus strand): 5'-GTTAACACTTATTTTCTACAACTGGAGCCTTGTATATAGACGGTAAAATAAACACCAAGA[C>T]GTGGTAAATATTTACCTGGTCCCTGTTGTTGATGTTTGAATAAGGTAACTGTCCAGTCAT-3'

ClinVar aggregate classification (germline): Benign/Likely benign. Review status: criteria provided, multiple submitters, no conflicts (2 of 4 stars). 4 submissions from 4 submitters: Benign (3); Likely benign (1). Last evaluated 2026-01-27.

Conditions:
RASopathy. Also called: rasopathies; Noonan spectrum disorder. Identifiers: Orphanet 536391, MedGen C5555857, MONDO:0021060.

Allele frequency attached by ClinVar (database versions not stated): 1000 Genomes Project 30x 0.00031.
gnomAD v4.1: 333 of 1,610,158 alleles (0.021%); highest among the groups gnomAD compares: Admixed American, 0.26%; 1 homozygote.

Submissions (4):

Labcorp Genetics (formerly Invitae), Labcorp
Classification: Benign for RASopathy. Last evaluated: 2026-01-27. Review status: criteria provided, single submitter. Criteria: Invitae Variant Classification Sherloc (09022015). Collection method: clinical testing. Allele origin: germline.

Blueprint Genetics
Classification: Likely benign. Last evaluated: 2024-04-23. Review status: criteria provided, single submitter. Criteria: ACMG Guidelines, 2015. Collection method: clinical testing. Allele origin: germline.

Women's Health and Genetics/Laboratory Corporation of America, LabCorp
Classification: Benign. Last evaluated: 2019-12-24. Review status: criteria provided, single submitter. Criteria: LabCorp Variant Classification Summary - May 2015. Collection method: clinical testing. Allele origin: germline.
Comment: Variant summary: BRAF c.1992+16G>A alters a non-conserved nucleotide located close to a canonical splice site and therefore could affect mRNA splicing, leading to a significantly altered protein sequence. 5/5 computational tools predict no significant impact on normal splicing. However, these predictions have yet to be confirmed by functional studies. The variant allele was found at a frequency of 0.0006 in 250290 control chromosomes in the gnomAD database, including 1 homozygote. The observed variant frequency is approximately 240-fold the estimated maximal allele frequency expected for a pathogenic variant in BRAF causing Noonan Syndrome and Related Conditions phenotype (2.5e-06), strongly suggesting that the variant is benign. To our knowledge, no occurrence of c.1992+16G>A in individuals affected with Noonan Syndrome and Related Conditions and no experimental evidence demonstrating an impact on protein function have been reported. No clinical diagnostic laboratories have submitted clinical-significance assessments for this variant to ClinVar after 2014. Based on the evidence outlined above, the variant was classified as benign.

GeneDx
Classification: Benign. Last evaluated: 2012-02-07. Review status: criteria provided, single submitter. Criteria: GeneDx Variant Classification (06012015). Collection method: clinical testing. Allele origin: germline. Affected: yes.
Comment: This variant is considered likely benign or benign based on one or more of the following criteria: it is a conservative change, it occurs at a poorly conserved position in the protein, it is predicted to be benign by multiple in silico algorithms, and/or has population frequency not consistent with disease.

Literature cited by the submitters: PubMed 24920063 (cited by Women's Health and Genetics/Laboratory Corporation of America, LabCorp).